The following is an entry in ClinVar:

ClinVar aggregate classification (germline): Likely benign (0 of 4 stars; one submission).

Conditions:
ABHD12-related disorder. Also called: ABHD12-related condition.

Allele frequency attached by ClinVar (database versions not stated): gnomAD exomes below 0.00001.
gnomAD v4.1: 1 of 1,613,858 alleles (0.000062%); highest among the groups gnomAD compares: East Asian, 0.0022%; no homozygotes.

Submission:

PreventionGenetics, part of Exact Sciences
Classification: Likely benign for ABHD12-related condition. Last evaluated: 2019-09-17. Review status: no assertion criteria provided. Collection method: clinical testing. Allele origin: germline.
Comment: This variant is classified as likely benign based on ACMG/AMP sequence variant interpretation guidelines (Richards et al. 2015 PMID: 25741868, with internal and published modifications).

NM_001042472.3(ABHD12):c.432C>G (p.Val144=)

Gene: ABHD12 (abhydrolase domain containing 12, lysophospholipase; minus strand). Cytogenetic location: 20p11.21.
Variant type: single nucleotide variant.
Coding change: c.432C>G on transcript NM_001042472.3 (MANE Select); coding-DNA position 432, C replaced by G.
Protein change: p.Val144=; no amino-acid change (valine 144 retained).
Molecular consequence: synonymous variant.
Genome position (GRCh38, 1-based): chr20:25,320,309, G>C on the plus strand (C>G on the coding strand, the complement: ABHD12 is on the minus strand). VCF-style: chr20-25320309-G-C. GRCh37 (hg19) VCF-style: chr20-25300945-G-C.
Other names: c.432C>G, p.Val144= (NM_015600.5).
Identifiers: ClinVar variation 3043530 (VCV003043530.2), dbSNP rs1341064787, ClinGen allele CA509893042.